The following is an entry in ClinVar:

ClinVar aggregate classification (germline): Conflicting classifications of pathogenicity. Review status: criteria provided, conflicting classifications (1 of 4 stars). 3 submissions from 3 submitters: Uncertain significance (1); Benign (1); Likely benign (1). Last evaluated 2025-05-30.

Conditions:
Tuberous sclerosis 2 (TSC2). Identifiers: Orphanet 805, MedGen C1860707, MONDO:0013199, OMIM 613254.
Hereditary cancer-predisposing syndrome. Also called: Neoplastic Syndromes, Hereditary; Hereditary neoplastic syndrome; Tumor predisposition; Hereditary Cancer Syndrome. Identifiers: Orphanet 140162, MedGen C0027672, MeSH D009386, MONDO:0015356.

Allele frequency attached by ClinVar (database versions not stated): gnomAD exomes below 0.00001; gnomAD 0.00001.
gnomAD v4.1: 2 of 1,610,668 alleles (0.00012%); highest among the groups gnomAD compares: Non-Finnish European, 0.00017%; no homozygotes.

Submissions (3):

Labcorp Genetics (formerly Invitae), Labcorp
Classification: Likely benign for Tuberous sclerosis 2. Last evaluated: 2025-05-30. Review status: criteria provided, single submitter. Criteria: Invitae Variant Classification Sherloc (09022015). Collection method: clinical testing. Allele origin: germline.

Myriad Genetics, Inc.
Classification: Benign for Tuberous sclerosis 2. Last evaluated: 2025-05-13. Review status: criteria provided, single submitter. Criteria: Myriad Autosomal Dominant, Autosomal Recessive and X-Linked Classification Criteria (2023). Collection method: clinical testing. Allele origin: unknown.
Comment: This variant is considered benign. This variant is a silent/synonymous amino acid change and it is not expected to impact splicing.

Ambry Genetics
Classification: Uncertain significance for Hereditary cancer-predisposing syndrome. Last evaluated: 2024-07-26. Review status: criteria provided, single submitter. Criteria: Ambry Variant Classification Scheme 2023. Collection method: clinical testing. Allele origin: germline.
Comment: The c.1269C>T variant (also known as p.L423L), located in coding exon 12 of the TSC2 gene, results from a C to T substitution at nucleotide position 1269. This nucleotide substitution does not change the leucine at codon 423. This nucleotide position is not well conserved in available vertebrate species. In silico splice site analysis for this alteration is inconclusive. Based on the available evidence, the clinical significance of this variant remains unclear.

NM_000548.5(TSC2):c.1269C>T (p.Leu423=)

Gene: TSC2 (TSC complex subunit 2; plus strand). Cytogenetic location: 16p13.3.
Variant type: single nucleotide variant.
Coding change: c.1269C>T on transcript NM_000548.5 (MANE Select); coding-DNA position 1269, C replaced by T.
Protein change: p.Leu423=; no amino-acid change (leucine 423 retained).
Molecular consequence: synonymous variant.
Genome position (GRCh38, 1-based): chr16:2,062,508, C>T. VCF-style: chr16-2062508-C-T. GRCh37 (hg19) VCF-style: chr16-2112509-C-T.
Other names: c.1269C>T, p.Leu423= (NM_001077183.3, NM_001114382.3, NM_001363528.2 and 3 more transcripts); c.1158C>T, p.Leu386= (NM_001318827.2); c.1122C>T, p.Leu374= (NM_001318829.2); c.669C>T, p.Leu223= (NM_001318831.2); c.1302C>T, p.Leu434= (NM_001318832.2); c.1269C>T (NM_000548.3).
Identifiers: ClinVar variation 1138070 (VCV001138070.11), dbSNP rs1323588796, ClinGen allele CA492962357.
Genomic context (GRCh38, chr16:2,062,508, plus strand): 5'-GGAGAGCGCCGGAGGGGCAGAGGGGCAACACCGGCTCTTCTTTTGACAGGAGTCCTCCCT[C>T]CTGAACCTGATCTCCTATAGAGCGCAGTCCATCCACCCGGCCAAGGACGGCTGGATTCAG-3'
Protein context (NP_000539.2, residues 413-433): RCADQRPESS[Leu423=]LNLISYRAQS